The following is an entry in ClinVar:

ClinVar aggregate classification (germline): Uncertain significance (1 of 4 stars; one submission).

Conditions:
Fibrous dysplasia of jaw (CRBM). Also called: Cherubism. Identifiers: Orphanet 184, MedGen C0008029, MONDO:0007315, OMIM 118400.

gnomAD v4.1: 2 of 1,612,882 alleles (0.00012%); highest among the groups gnomAD compares: Non-Finnish European, 0.00017%; no homozygotes.

Submission:

Labcorp Genetics (formerly Invitae), Labcorp
Classification: Uncertain significance for Fibrous dysplasia of jaw. Last evaluated: 2021-04-23. Review status: criteria provided, single submitter. Criteria: Invitae Variant Classification Sherloc (09022015). Collection method: clinical testing. Allele origin: germline.
Comment: In summary, the available evidence is currently insufficient to determine the role of this variant in disease. Therefore, it has been classified as a Variant of Uncertain Significance. Algorithms developed to predict the effect of missense changes on protein structure and function (SIFT, PolyPhen-2, Align-GVGD) all suggest that this variant is likely to be tolerated, but these predictions have not been confirmed by published functional studies and their clinical significance is uncertain. This variant has not been reported in the literature in individuals with SH3BP2-related conditions. This variant is not present in population databases (ExAC no frequency). This sequence change replaces proline with serine at codon 374 of the SH3BP2 protein (p.Pro374Ser). The proline residue is highly conserved and there is a moderate physicochemical difference between proline and serine.

NM_001122681.2(SH3BP2):c.1120C>T (p.Pro374Ser)

Gene: SH3BP2 (SH3 domain binding protein 2; plus strand). Cytogenetic location: 4p16.3.
Variant type: single nucleotide variant.
Coding change: c.1120C>T on transcript NM_001122681.2 (MANE Select); coding-DNA position 1120, C replaced by T.
Protein change: p.Pro374Ser; replaces proline 374 with serine.
Molecular consequence: missense variant.
Genome position (GRCh38, 1-based): chr4:2,830,026, C>T. VCF-style: chr4-2830026-C-T. GRCh37 (hg19) VCF-style: chr4-2831753-C-T.
Other names: c.1204C>T, p.Pro402Ser (NM_001145855.2); c.1291C>T, p.Pro431Ser (NM_001145856.2); c.1120C>T, p.Pro374Ser (NM_003023.4); short protein forms P374S, P431S, P402S.
Identifiers: ClinVar variation 1347744 (VCV001347744.8), dbSNP rs2108739211, ClinGen allele CA356057197.